The following is an entry in ClinVar:

NM_000059.4(BRCA2):c.10055T>C (p.Leu3352Pro)

Gene: BRCA2 (BRCA2 DNA repair associated; plus strand). Cytogenetic location: 13q13.1.
Variant type: single nucleotide variant.
Coding change: c.10055T>C on transcript NM_000059.4 (MANE Select); coding-DNA position 10055, T replaced by C.
Protein change: p.Leu3352Pro; replaces leucine 3352 with proline.
Molecular consequence: missense variant. On other transcripts: non-coding transcript variant (1).
Genome position (GRCh38, 1-based): chr13:32,398,568, T>C. VCF-style: chr13-32398568-T-C. GRCh37 (hg19) VCF-style: chr13-32972705-T-C.
Other names: c.9959T>C, p.Leu3320Pro (NM_001406719.1); c.10004T>C, p.Leu3335Pro (NM_001406720.1); c.5123T>C, p.Leu1708Pro (NM_001406721.1); c.3638T>C, p.Leu1213Pro (NM_001406722.1); short protein forms L3335P, L3352P, L1213P, L3320P, L1708P.
Identifiers: ClinVar variation 2451576 (VCV002451576.5), dbSNP rs960693786, ClinGen allele CA247509431.

ClinVar aggregate classification (germline): Uncertain significance. Review status: criteria provided, multiple submitters, no conflicts (2 of 4 stars). 2 submissions from 2 submitters: Uncertain significance (2). Last evaluated 2023-09-04.

Conditions:
Hereditary cancer-predisposing syndrome. Also called: Neoplastic Syndromes, Hereditary; Tumor predisposition; Hereditary neoplastic syndrome; Hereditary Cancer Syndrome. Identifiers: Orphanet 140162, MedGen C0027672, MeSH D009386, MONDO:0015356.
Hereditary breast ovarian cancer syndrome. Also called: Hereditary breast and/or ovarian cancer syndrome; BRCA1- and BRCA2-Associated Hereditary Breast and Ovarian Cancer; Hereditary breast and ovarian cancer syndrome; Hereditary breast and ovarian cancer; Hereditary breast and ovarian cancer syndrome (HBOC); Breast and ovarian cancer. Identifiers: Orphanet 145, MedGen C0677776, MeSH D061325, MONDO:0003582. Disease mechanism: loss of function.

Allele frequency attached by ClinVar (database versions not stated): gnomAD exomes below 0.00001.
gnomAD v4.1: 3 of 1,614,168 alleles (0.00019%); highest among the groups gnomAD compares: Non-Finnish European, 0.00017%; no homozygotes.

Submissions (2):

Labcorp Genetics (formerly Invitae), Labcorp
Classification: Uncertain significance for Hereditary breast ovarian cancer syndrome. Last evaluated: 2023-09-04. Review status: criteria provided, single submitter. Criteria: Invitae Variant Classification Sherloc (09022015). Collection method: clinical testing. Allele origin: germline.
Comment: In summary, the available evidence is currently insufficient to determine the role of this variant in disease. Therefore, it has been classified as a Variant of Uncertain Significance. Advanced modeling of protein sequence and biophysical properties (such as structural, functional, and spatial information, amino acid conservation, physicochemical variation, residue mobility, and thermodynamic stability) performed at Invitae indicates that this missense variant is not expected to disrupt BRCA2 protein function. ClinVar contains an entry for this variant (Variation ID: 2451576). This variant has not been reported in the literature in individuals affected with BRCA2-related conditions. This variant is not present in population databases (gnomAD no frequency). This sequence change replaces leucine, which is neutral and non-polar, with proline, which is neutral and non-polar, at codon 3352 of the BRCA2 protein (p.Leu3352Pro).

Ambry Genetics
Classification: Uncertain significance for Hereditary cancer-predisposing syndrome. Last evaluated: 2023-02-27. Review status: criteria provided, single submitter. Criteria: Ambry Variant Classification Scheme 2023. Collection method: clinical testing. Allele origin: germline.
Comment: The p.L3352P variant (also known as c.10055T>C), located in coding exon 26 of the BRCA2 gene, results from a T to C substitution at nucleotide position 10055. The leucine at codon 3352 is replaced by proline, an amino acid with similar properties. This amino acid position is conserved. In addition, the in silico prediction for this alteration is inconclusive. Since supporting evidence is limited at this time, the clinical significance of this alteration remains unclear.